The following is an entry in ClinVar:

ClinVar aggregate classification (germline): Uncertain significance (0 of 4 stars; one submission).

Conditions:
ASH1L-related disorder. Also called: ASH1L-related condition.

Allele frequency attached by ClinVar (database versions not stated): gnomAD exomes below 0.00001.
gnomAD v4.1: 1 of 1,614,116 alleles (0.000062%); highest among the groups gnomAD compares: Non-Finnish European, 0.000085%; no homozygotes.

Submission:

PreventionGenetics, part of Exact Sciences
Classification: Uncertain significance for ASH1L-related condition. Last evaluated: 2023-12-05. Review status: no assertion criteria provided. Collection method: clinical testing. Allele origin: germline.
Comment: The ASH1L c.6547A>G variant is predicted to result in the amino acid substitution p.Met2183Val. To our knowledge, this variant has not been reported in the literature or in a large population database, indicating this variant is rare. At this time, the clinical significance of this variant is uncertain due to the absence of conclusive functional and genetic evidence.

NM_018489.3(ASH1L):c.6547A>G (p.Met2183Val)

Gene: ASH1L (ASH1 like histone lysine methyltransferase; minus strand). Cytogenetic location: 1q22.
Variant type: single nucleotide variant.
Coding change: c.6547A>G on transcript NM_018489.3 (MANE Select); coding-DNA position 6547, A replaced by G.
Protein change: p.Met2183Val; replaces methionine 2183 with valine.
Molecular consequence: missense variant.
Genome position (GRCh38, 1-based): chr1:155,370,643, T>C on the plus strand (A>G on the coding strand, the complement: ASH1L is on the minus strand). VCF-style: chr1-155370643-T-C. GRCh37 (hg19) VCF-style: chr1-155340434-T-C.
Other names: c.6562A>G, p.Met2188Val (NM_001366177.2); short protein forms M2183V, M2188V.
Identifiers: ClinVar variation 3054956 (VCV003054956.2), dbSNP rs2525956769, ClinGen allele CA342754219.
Genomic context (GRCh38, chr1:155,370,643, plus strand): 5'-CCATCCCACTATCCAGGTTCAGGCAGTAGTGGTCACTGTGATTATGATACTGCTCAATCA[T>C]CCTGTTCCTAAAGAGAAGATAAATGATTGAAAGACAATTAAAGAGTAGCTGAAAGTAAAT-3'
Protein context (NP_060959.2, residues 2173-2193): VVSEQEFRNR[Met2183Val]IEQYHNHSDH